The following is an entry in ClinVar:

NM_000388.4(CASR):c.3221del (p.Asn1074fs)

Gene: CASR (calcium sensing receptor; plus strand). Cytogenetic location: 3q21.1.
Variant type: Deletion.
Coding change: c.3221del on transcript NM_000388.4 (MANE Select); coding-DNA position 3221, one base deleted (A; older notation c.3221delA).
Protein change: p.Asn1074fs; shifts the reading frame from asparagine 1074.
Molecular consequence: frameshift variant.
Genome position (GRCh38, 1-based): chr3:122,285,175, A deleted; the last of 4 consecutive A bases (chr3:122,285,172-122,285,175); deleting any one gives the same sequence. VCF-style (leftmost placement, unchanged base first): chr3-122285171-GA-G. GRCh37 (hg19) VCF-style: chr3-122004018-GA-G.
Other names: c.3251del, p.Asn1084fs (NM_001178065.2); short protein forms N1074fs, N1084fs.
Identifiers: ClinVar variation 1017506 (VCV001017506.7), dbSNP rs2074955500, ClinGen allele CA1052945337.

ClinVar aggregate classification (germline): Uncertain significance (1 of 4 stars; one submission).

Conditions:
Autosomal dominant hypocalcemia 1 (HYPOC1). Also called: HYPOCALCEMIA, FAMILIAL. Identifiers: MedGen C3715128, MONDO:0011013, OMIM 601198.
Familial hypocalciuric hypercalcemia (FHH). Also called: Familial benign hypercalcemia. Identifiers: Orphanet 405, MedGen C1809471, MONDO:0018458.

Submission:

Labcorp Genetics (formerly Invitae), Labcorp
Classification: Uncertain significance for Familial hypocalciuric hypercalcemia; Autosomal dominant hypocalcemia 1. Last evaluated: 2022-03-05. Review status: criteria provided, single submitter. Criteria: Invitae Variant Classification Sherloc (09022015). Collection method: clinical testing. Allele origin: germline.
Comment: This variant is not present in population databases (gnomAD no frequency). This sequence change creates a premature translational stop signal (p.Asn1074Thrfs*2) in the CASR gene. While this is not anticipated to result in nonsense mediated decay, it is expected to disrupt the last 5 amino acid(s) of the CASR protein. This variant has not been reported in the literature in individuals affected with CASR-related conditions. ClinVar contains an entry for this variant (Variation ID: 1017506). Experimental studies and prediction algorithms are not available or were not evaluated, and the functional significance of this variant is currently unknown. In summary, the available evidence is currently insufficient to determine the role of this variant in disease. Therefore, it has been classified as a Variant of Uncertain Significance.